The following is an entry in ClinVar:

ClinVar aggregate classification (germline): Pathogenic (1 of 4 stars; one submission).

Conditions:
Mucopolysaccharidosis, MPS-IV-A (MPS4A). Also called: MPS IVA; mucopolysaccharidosis type 4A; Morquio syndrome A, mild; MORQUIO SYNDROME A; GALACTOSAMINE-6-SULFATASE DEFICIENCY; GALNS DEFICIENCY. Identifiers: Orphanet 309297, Orphanet 582, MedGen C0086651, MONDO:0009659, OMIM 253000.

Submission:

Foundation for Research in Genetics and Endocrinology, FRIGE's Institute of Human Genetics
Classification: Pathogenic for Mucopolysaccharidosis, MPS-IV-A. Last evaluated: 2023-07-27. Review status: criteria provided, single submitter. Criteria: ACMG Guidelines, 2015. Collection method: clinical testing. Allele origin: germline. Inheritance: Autosomal recessive inheritance. Affected: yes. Observed: 1 heterozygote.
Comment: A heterozygous variation in exon 2 of the GALNS gene that results in the amino acid substitution of Proline for Alanine at codon 63 was detected. The observed variant c.187G>C (p.Ala63Pro) has not been reported in the 1000 genomes database. The in silico prediction of the variant is disease causing by PolyPhen-2, SIFT, DANN and MutationTaster. In summary, the variant meets our criteria to be classified as pathogenic.

NM_000512.5(GALNS):c.187G>C (p.Ala63Pro)

Gene: GALNS (galactosamine (N-acetyl)-6-sulfatase; minus strand). Cytogenetic location: 16q24.3.
Variant type: single nucleotide variant.
Coding change: c.187G>C on transcript NM_000512.5 (MANE Select); coding-DNA position 187, G replaced by C.
Protein change: p.Ala63Pro; replaces alanine 63 with proline.
Molecular consequence: missense variant. On other transcripts: intron variant (1).
Genome position (GRCh38, 1-based): chr16:88,842,763, C>G on the plus strand (G>C on the coding strand, the complement: GALNS is on the minus strand). VCF-style: chr16-88842763-C-G. GRCh37 (hg19) VCF-style: chr16-88909171-C-G.
Other names: p.Ala63Pro; c.205G>C, p.Ala69Pro (NM_001323544.2); c.-311-792G>C (NM_001323543.2); short protein forms A63P, A69P.
Identifiers: ClinVar variation 2573994 (VCV002573994.2), dbSNP rs2543580299, ClinGen allele CA397091662.